The following is an entry in ClinVar:

NM_024675.4(PALB2):c.1551A>G (p.Lys517=)

Gene: PALB2 (partner and localizer of BRCA2; minus strand). Cytogenetic location: 16p12.2.
Variant type: single nucleotide variant.
Coding change: c.1551A>G on transcript NM_024675.4 (MANE Select); coding-DNA position 1551, A replaced by G.
Protein change: p.Lys517=; no amino-acid change (lysine 517 retained).
Molecular consequence: synonymous variant.
Genome position (GRCh38, 1-based): chr16:23,634,995, T>C on the plus strand (A>G on the coding strand, the complement: PALB2 is on the minus strand). VCF-style: chr16-23634995-T-C. GRCh37 (hg19) VCF-style: chr16-23646316-T-C.
Identifiers: ClinVar variation 873419 (VCV000873419.15), dbSNP rs755845383, ClinGen allele CA7963697.

ClinVar aggregate classification (germline): Benign/Likely benign. Review status: criteria provided, multiple submitters, no conflicts (2 of 4 stars). 4 submissions from 4 submitters: Benign (1); Likely benign (2). 1 of the submissions does not count toward it. Last evaluated 2025-01-14.

Conditions:
Hereditary cancer-predisposing syndrome. Also called: Neoplastic Syndromes, Hereditary; Hereditary Cancer Syndrome; Tumor predisposition; Hereditary neoplastic syndrome. Identifiers: Orphanet 140162, MedGen C0027672, MeSH D009386, MONDO:0015356.
Familial cancer of breast. Also called: Hereditary breast cancer; hereditary breast carcinoma; BREAST CANCER, FAMILIAL. Identifiers: Orphanet 227535, MedGen C0346153, MONDO:0016419, OMIM 114480. Disease mechanism: loss of function.

Allele frequency attached by ClinVar (database versions not stated): gnomAD exomes below 0.00001 and 0.00001; ExAC 0.00002.
gnomAD v4.1: 2 of 1,614,156 alleles (0.00012%); highest among the groups gnomAD compares: Non-Finnish European, 0.00017%; no homozygotes.

Submissions (4):

Myriad Genetics, Inc.
Classification: Benign for Familial cancer of breast. Last evaluated: 2025-01-14. Review status: criteria provided, single submitter. Criteria: Myriad Autosomal Dominant, Autosomal Recessive and X-Linked Classification Criteria (2023). Collection method: clinical testing. Allele origin: unknown.
Comment: This variant is considered benign. This variant is a silent/synonymous amino acid change and it is not expected to impact splicing.

Labcorp Genetics (formerly Invitae), Labcorp
Classification: Likely benign for Familial cancer of breast. Last evaluated: 2023-01-08. Review status: criteria provided, single submitter. Criteria: Invitae Variant Classification Sherloc (09022015). Collection method: clinical testing. Allele origin: germline.

Ambry Genetics
Classification: Likely benign for Hereditary cancer-predisposing syndrome. Last evaluated: 2021-09-22. Review status: criteria provided, single submitter. Criteria: Ambry Variant Classification Scheme 2023. Collection method: clinical testing. Allele origin: germline.

King Laboratory, University of Washington
Classification: Benign. Last evaluated: 2019-09-01. Review status: no assertion criteria provided. Collection method: research. Allele origin: germline. Affected: yes. Not counted in ClinVar's aggregate classification.
Comment: Transcript analysis by cBROCA

Literature cited by the submitters: PubMed 31843900 (cited by King Laboratory, University of Washington).